The following is an entry in ClinVar:

NM_004493.3(HSD17B10):c.283G>A (p.Ala95Thr)

Gene: HSD17B10 (hydroxysteroid 17-beta dehydrogenase 10; minus strand). Cytogenetic location: Xp11.22.
Variant type: single nucleotide variant.
Coding change: c.283G>A on transcript NM_004493.3 (MANE Select); coding-DNA position 283, G replaced by A.
Protein change: p.Ala95Thr; replaces alanine 95 with threonine.
Molecular consequence: missense variant.
Genome position (GRCh38, 1-based): chrX:53,432,321, C>T on the plus strand (G>A on the coding strand, the complement: HSD17B10 is on the minus strand). VCF-style: chrX-53432321-C-T. GRCh37 (hg19) VCF-style: chrX-53459269-C-T.
Other names: c.283G>A (NM_004493.2); c.283G>A, p.Ala95Thr (NM_001037811.2); short protein forms A95T.
Identifiers: ClinVar variation 1585455 (VCV001585455.10), dbSNP rs201378370, ClinGen allele CA10421019.

ClinVar aggregate classification (germline): Benign. Review status: criteria provided, single submitter (1 of 4 stars). 2 submissions from 2 submitters: Benign (1). 1 of the submissions does not count toward it. Last evaluated 2025-12-23.

Conditions:
HSD17B10-related disorder. Also called: HSD17B10-related condition.

Allele frequency attached by ClinVar (database versions not stated): ESP Exome Variant Server 0.00009; 1000 Genomes Project 30x 0.00021; 1000 Genomes Project 0.00026; gnomAD exomes 0.00084 and 0.00212; gnomAD 0.00126 and 0.00133; ExAC 0.00161.
gnomAD v4.1: 1,043 of 1,208,854 alleles (0.086%); highest among the groups gnomAD compares: Admixed American, 0.013%; 8 homozygotes.

Submissions (2):

Labcorp Genetics (formerly Invitae), Labcorp
Classification: Benign. Last evaluated: 2025-12-23. Review status: criteria provided, single submitter. Criteria: Invitae Variant Classification Sherloc (09022015). Collection method: clinical testing. Allele origin: germline.

PreventionGenetics, part of Exact Sciences
Classification: Benign for HSD17B10-related condition. Last evaluated: 2019-05-23. Review status: no assertion criteria provided. Collection method: clinical testing. Allele origin: germline. Not counted in ClinVar's aggregate classification.
Comment: This variant is classified as benign based on ACMG/AMP sequence variant interpretation guidelines (Richards et al. 2015 PMID: 25741868, with internal and published modifications).